The following is an entry in ClinVar:

ClinVar aggregate classification (germline): Conflicting classifications of pathogenicity. Review status: criteria provided, conflicting classifications (1 of 4 stars). 6 submissions from 6 submitters: Uncertain significance (5); Likely benign (1). Last evaluated 2026-10-14.

Conditions:
Inborn genetic diseases. Identifiers: MedGen C0950123, MeSH D030342.
Neuronal ceroid lipofuscinosis 5 (CLN5). Also called: CEROID LIPOFUSCINOSIS, NEURONAL, 5, VARIABLE AGE AT ONSET; CLN5-Related Neuronal Ceroid-Lipofuscinosis; Neuronal ceroid lipofuscinosis Finnish variant; NEURONAL CEROID LIPOFUSCINOSIS, LATE INFANTILE, FINNISH VARIANT. Identifiers: Orphanet 168491, Orphanet 228360, MedGen C1850442, MONDO:0009745, OMIM 256731.
Neuronal ceroid lipofuscinosis. Also called: Neuronal Ceroid Lipofuscinoses. Identifiers: Orphanet 216, Orphanet 79263, MedGen C0027877, MONDO:0016295. Disease mechanism: loss of function.

Allele frequency attached by ClinVar (database versions not stated): gnomAD 0.00002 and 0.00003; TOPMed 0.00004; ExAC 0.00001; gnomAD exomes 0.00009.
gnomAD v4.1: 29 of 1,603,184 alleles (0.0018%); highest among the groups gnomAD compares: Admixed American, 0.044%; 1 homozygote.

Submissions (6):

GeneDx
Classification: Uncertain significance. Last evaluated: 2026-10-14. Review status: criteria provided, single submitter. Criteria: GeneDx Variant Classification Process June 2021. Collection method: clinical testing. Allele origin: germline.
Comment: In silico analysis suggests that this missense variant does not alter protein structure/function; Has not been previously published as pathogenic or benign to our knowledge

Labcorp Genetics (formerly Invitae), Labcorp
Classification: Likely benign for Neuronal ceroid lipofuscinosis. Last evaluated: 2026-01-19. Review status: criteria provided, single submitter. Criteria: Invitae Variant Classification Sherloc (09022015). Collection method: clinical testing. Allele origin: germline.

Genome-Nilou Lab
Classification: Uncertain significance for Neuronal ceroid lipofuscinosis 5. Last evaluated: 2021-09-05. Review status: criteria provided, single submitter. Criteria: ACMG Guidelines, 2015. Collection method: clinical testing. Allele origin: germline. Affected: no.

Ambry Genetics
Classification: Uncertain significance for Inborn genetic diseases. Last evaluated: 2021-08-18. Review status: criteria provided, single submitter. Criteria: Ambry Variant Classification Scheme 2023. Collection method: clinical testing. Allele origin: germline.

Baylor Genetics
Classification: Uncertain significance for Neuronal ceroid lipofuscinosis 5. Last evaluated: 2018-03-01. Review status: criteria provided, single submitter. Criteria: ACMG Guidelines, 2015. Collection method: clinical testing. Allele origin: maternal. Affected: yes.
Comment: This variant was determined to be of uncertain significance according to ACMG Guidelines, 2015 [PMID:25741868].

Eurofins Ntd Llc (ga)
Classification: Uncertain significance. Last evaluated: 2016-09-30. Review status: criteria provided, single submitter. Criteria: EGL Classification Definitions 2015. Collection method: clinical testing. Allele origin: germline. Observed: 1 variant allele, 1 heterozygote.

NM_006493.4(CLN5):c.106G>C (p.Ala36Pro)

Genes: CLN5 (CLN5 lysosomal BMP synthase; plus strand), LOC130009913 (ATAC-STARR-seq lymphoblastoid silent region 5414; plus strand). Cytogenetic location: 13q22.3.
Variant type: single nucleotide variant.
Coding change: c.106G>C on transcript NM_006493.4 (MANE Select); coding-DNA position 106, G replaced by C.
Protein change: p.Ala36Pro; replaces alanine 36 with proline.
Molecular consequence: missense variant.
Genome position (GRCh38, 1-based): chr13:76,992,204, G>C. VCF-style: chr13-76992204-G-C. GRCh37 (hg19) VCF-style: chr13-77566339-G-C.
Other names: p.A85P:GCG>CCG; c.106G>C, p.Ala36Pro (NM_001366624.2); c.253G>C (LRG_692t1); short protein forms A36P.
Identifiers: ClinVar variation 205142 (VCV000205142.25), dbSNP rs778982551, ClinGen allele CA313912.